The following is an entry in ClinVar:

NM_001378457.1(DMXL2):c.3778T>C (p.Leu1260=)

Gene: DMXL2 (Dmx like 2; minus strand). Cytogenetic location: 15q21.2.
Variant type: single nucleotide variant.
Coding change: c.3778T>C on transcript NM_001378457.1 (MANE Select); coding-DNA position 3778, T replaced by C.
Protein change: p.Leu1260=; no amino-acid change (leucine 1260 retained).
Molecular consequence: synonymous variant. On other transcripts: non-coding transcript variant (2), intron variant (2).
Genome position (GRCh38, 1-based): chr15:51,499,446, A>G on the plus strand (T>C on the coding strand, the complement: DMXL2 is on the minus strand). VCF-style: chr15-51499446-A-G. GRCh37 (hg19) VCF-style: chr15-51791643-A-G.
Other names: c.3778T>C, p.Leu1260= (NM_001174116.3, NM_001378458.1, NM_001378459.1 and 4 more transcripts); c.3538T>C, p.Leu1180= (NM_001378464.1); c.2764+7688T>C (NM_001378460.1); c.2765-4312T>C (NM_001174117.3).
Identifiers: ClinVar variation 2645345 (VCV002645345.24), dbSNP rs772758113, ClinGen allele CA7562121.

ClinVar aggregate classification (germline): Likely benign (1 of 4 stars; one submission).

Allele frequency attached by ClinVar (database versions not stated): gnomAD exomes below 0.00001; ExAC 0.00001.
gnomAD v4.1: 2 of 1,614,038 alleles (0.00012%); highest among the groups gnomAD compares: Admixed American, 0.0017%; no homozygotes.

Submission:

CeGaT Center for Human Genetics Tuebingen
Classification: Likely benign. Last evaluated: 2022-05-01. Review status: criteria provided, single submitter. Criteria: CeGaT Center For Human Genetics Tuebingen Variant Classification Criteria Version 2. Collection method: clinical testing. Allele origin: germline. Affected: yes. Observed: 1 variant allele.
Comment: DMXL2: BP4, BP7